The following is an entry in ClinVar:

NM_152443.3(RDH12):c.758C>G (p.Pro253Arg)

Genes: GPHN (gephyrin; plus strand), RDH12 (retinol dehydrogenase 12; plus strand), ZFYVE26 (zinc finger FYVE-type containing 26; minus strand). Cytogenetic location: 14q24.1.
Variant type: single nucleotide variant.
Coding change: c.758C>G on transcript NM_152443.3 (MANE Select); coding-DNA position 758, C replaced by G.
Protein change: p.Pro253Arg; replaces proline 253 with arginine.
Molecular consequence: missense variant.
Genome position (GRCh38, 1-based): chr14:67,729,290, C>G. VCF-style: chr14-67729290-C-G. GRCh37 (hg19) VCF-style: chr14-68196007-C-G.
Other names: c.758C>G (NM_152443.2); short protein forms P253R.
Identifiers: ClinVar variation 989725 (VCV000989725.7), dbSNP rs770465995, ClinGen allele CA7238809.
Genomic context (GRCh38, chr14:67,729,290, plus strand): 5'-TCCGCTCTGAGCTGGTCCGGCACTCCTCCCTGCTCTGCCTGCTCTGGCGGCTCTTCTCCC[C>G]CTTTGTCAAGACGGCACGGGAGGGGGCGCAGACCAGCCTGCACTGCGCCCTGGCTGAGGG-3'
Protein context (NP_689656.2, residues 243-263): LLCLLWRLFS[Pro253Arg]FVKTAREGAQ

ClinVar aggregate classification (germline): Uncertain significance. Review status: criteria provided, multiple submitters, no conflicts (2 of 4 stars). 5 submissions from 5 submitters: Uncertain significance (4). 1 of the submissions does not count toward it. Last evaluated 2025-05-26.

Conditions:
Leber congenital amaurosis 13 (LCA13). Identifiers: MedGen C2675186, MONDO:0012990, OMIM 612712.
Leber congenital amaurosis (LCA). Also called: Leber's amaurosis. Identifiers: Orphanet 65, MedGen C0339527, MeSH D057130, MONDO:0018998.
Inborn genetic diseases. Identifiers: MedGen C0950123, MeSH D030342.

Allele frequency attached by ClinVar (database versions not stated): TOPMed 0.00004.
gnomAD v4.1: 41 of 1,604,394 alleles (0.0026%); highest among the groups gnomAD compares: Non-Finnish European, 0.0031%; no homozygotes.

Submissions (5):

Labcorp Genetics (formerly Invitae), Labcorp
Classification: Uncertain significance for Leber congenital amaurosis 13. Last evaluated: 2025-05-26. Review status: criteria provided, single submitter. Criteria: Invitae Variant Classification Sherloc (09022015). Collection method: clinical testing. Allele origin: germline.
Comment: This sequence change replaces proline, which is neutral and non-polar, with arginine, which is basic and polar, at codon 253 of the RDH12 protein (p.Pro253Arg). This variant is present in population databases (rs770465995, gnomAD 0.005%). This variant has not been reported in the literature in individuals affected with RDH12-related conditions. ClinVar contains an entry for this variant (Variation ID: 989725). Invitae Evidence Modeling of protein sequence and biophysical properties (such as structural, functional, and spatial information, amino acid conservation, physicochemical variation, residue mobility, and thermodynamic stability) indicates that this missense variant is not expected to disrupt RDH12 protein function with a negative predictive value of 80%. In summary, the available evidence is currently insufficient to determine the role of this variant in disease. Therefore, it has been classified as a Variant of Uncertain Significance.

Blueprint Genetics
Classification: Uncertain significance. Last evaluated: 2022-02-07. Review status: criteria provided, single submitter. Criteria: ACMG Guidelines, 2015. Collection method: clinical testing. Allele origin: germline.

Fulgent Genetics
Classification: Uncertain significance for Leber congenital amaurosis 13. Last evaluated: 2022-01-21. Review status: criteria provided, single submitter. Criteria: ACMG Guidelines, 2015. Collection method: clinical testing. Allele origin: unknown.

Ambry Genetics
Classification: Uncertain significance for Inborn genetic diseases. Last evaluated: 2021-08-13. Review status: criteria provided, single submitter. Criteria: Ambry Variant Classification Scheme 2023. Collection method: clinical testing. Allele origin: germline.

Natera, Inc.
Classification: Uncertain significance for Leber congenital amaurosis. Last evaluated: 2020-08-14. Review status: no assertion criteria provided. Collection method: clinical testing. Allele origin: germline. Not counted in ClinVar's aggregate classification.